The following is an entry in ClinVar:

ClinVar aggregate classification (germline): Uncertain significance. Review status: criteria provided, multiple submitters, no conflicts (2 of 4 stars). 3 submissions from 3 submitters: Uncertain significance (3). Last evaluated 2024-07-18.

Conditions:
Multiple endocrine neoplasia, type 2 (MEN2). Identifiers: Orphanet 653, MedGen C4048306, MONDO:0019003. Disease mechanism: gain of function.
Hereditary cancer-predisposing syndrome. Also called: Neoplastic Syndromes, Hereditary; Hereditary neoplastic syndrome; Tumor predisposition; Hereditary Cancer Syndrome. Identifiers: Orphanet 140162, MedGen C0027672, MeSH D009386, MONDO:0015356.

gnomAD v4.1: 1 of 1,614,150 alleles (0.000062%); highest among the groups gnomAD compares: Non-Finnish European, 0.000085%; no homozygotes.

Submissions (3):

Ambry Genetics
Classification: Uncertain significance for Hereditary cancer-predisposing syndrome. Last evaluated: 2024-07-18. Review status: criteria provided, single submitter. Criteria: Ambry Variant Classification Scheme 2023. Collection method: clinical testing. Allele origin: germline.
Comment: The p.R959G variant (also known as c.2875C>G), located in coding exon 17 of the RET gene, results from a C to G substitution at nucleotide position 2875. The arginine at codon 959 is replaced by glycine, an amino acid with dissimilar properties. This amino acid position is conserved. In addition, this alteration is predicted to be deleterious by in silico analysis. Based on the available evidence, the clinical significance of this variant remains unclear.

Quest Diagnostics Nichols Institute San Juan Capistrano
Classification: Uncertain significance. Last evaluated: 2024-06-10. Review status: criteria provided, single submitter. Criteria: Quest Diagnostics criteria. Collection method: clinical testing. Allele origin: unknown.

Labcorp Genetics (formerly Invitae), Labcorp
Classification: Uncertain significance for Multiple endocrine neoplasia, type 2. Last evaluated: 2022-12-20. Review status: criteria provided, single submitter. Criteria: Invitae Variant Classification Sherloc (09022015). Collection method: clinical testing. Allele origin: germline.
Comment: In summary, the available evidence is currently insufficient to determine the role of this variant in disease. Therefore, it has been classified as a Variant of Uncertain Significance. Algorithms developed to predict the effect of missense changes on protein structure and function are either unavailable or do not agree on the potential impact of this missense change (SIFT: "Deleterious"; PolyPhen-2: "Probably Damaging"; Align-GVGD: "Class C0"). This variant has not been reported in the literature in individuals affected with RET-related conditions. This variant is not present in population databases (gnomAD no frequency). This sequence change replaces arginine, which is basic and polar, with glycine, which is neutral and non-polar, at codon 959 of the RET protein (p.Arg959Gly).

NM_020975.6(RET):c.2875C>G (p.Arg959Gly)

Gene: RET (ret proto-oncogene; plus strand). Cytogenetic location: 10q11.21.
Variant type: single nucleotide variant.
Coding change: c.2875C>G on transcript NM_020975.6 (MANE Select); coding-DNA position 2875, C replaced by G.
Protein change: p.Arg959Gly; replaces arginine 959 with glycine.
Molecular consequence: missense variant.
Genome position (GRCh38, 1-based): chr10:43,123,744, C>G. VCF-style: chr10-43123744-C-G. GRCh37 (hg19) VCF-style: chr10-43619192-C-G.
Other names: c.2875C>G, p.Arg959Gly (NM_000323.2, NM_001406743.1, NM_001406744.1 and 4 more transcripts); c.2113C>G, p.Arg705Gly (NM_001355216.2); c.2746C>G, p.Arg916Gly (NM_001406761.1, NM_001406762.1, NM_001406764.1); c.2740C>G, p.Arg914Gly (NM_001406763.1, NM_001406765.1); c.2587C>G, p.Arg863Gly (NM_001406766.1, NM_001406767.1, NM_001406770.1); c.2611C>G, p.Arg871Gly (NM_001406768.1); c.2479C>G, p.Arg827Gly (NM_001406769.1, NM_001406772.1); c.2437C>G, p.Arg813Gly (NM_001406771.1, NM_001406773.1); and 10 more; short protein forms R476G, R615G, R629G, R959G, R564G, R617G, R620G, R705G.
Identifiers: ClinVar variation 2886843 (VCV002886843.5), dbSNP rs587778658, ClinGen allele CA376557866.